The following is an entry in ClinVar:

ClinVar aggregate classification (germline): Uncertain significance (1 of 4 stars; one submission).

Conditions:
Hereditary antithrombin deficiency (AT3D). Also called: Antithrombin deficiency; Reduced antithrombin III activity; Antithrombin III deficiency; Thrombophilia due to antithrombin III deficiency. Identifiers: Orphanet 82, MedGen C0272375, MONDO:0013144, OMIM 613118, HP:0001976.

gnomAD v4.1: 4 of 1,614,190 alleles (0.00025%); highest among the groups gnomAD compares: Non-Finnish European, 0.00034%; no homozygotes.

Submission:

ISTH-SSC Genomics in Thrombosis and Hemostasis, KU Leuven, Center for Molecular and Vascular Biology
Classification: Uncertain significance for Hereditary antithrombin deficiency. Review status: criteria provided, single submitter. Criteria: ACMG Guidelines, 2015. Collection method: clinical testing. Allele origin: germline. Affected: yes. Observed: 1 heterozygote.
Comment: Submitted to the GoldVariant database by Kathleen Freson, Center for Molecular and Vascular Biology

NM_000488.4(SERPINC1):c.790G>C (p.Glu264Gln)

Gene: SERPINC1 (serpin family C member 1; minus strand). Cytogenetic location: 1q25.1.
Variant type: single nucleotide variant.
Coding change: c.790G>C on transcript NM_000488.4 (MANE Select); coding-DNA position 790, G replaced by C.
Protein change: p.Glu264Gln; replaces glutamic acid 264 with glutamine.
Molecular consequence: missense variant. On other transcripts: intron variant (1).
Genome position (GRCh38, 1-based): chr1:173,909,915, C>G on the plus strand (G>C on the coding strand, the complement: SERPINC1 is on the minus strand). VCF-style: chr1-173909915-C-G. GRCh37 (hg19) VCF-style: chr1-173879053-C-G.
Other names: c.646G>C, p.Glu216Gln (NM_001365052.2); c.913G>C, p.Glu305Gln (NM_001386302.1); c.871G>C, p.Glu291Gln (NM_001386303.1); c.769G>C, p.Glu257Gln (NM_001386304.1); c.574G>C, p.Glu192Gln (NM_001386306.1); c.763-30G>C (NM_001386305.1); short protein forms E192Q, E216Q, E257Q, E264Q, E291Q, E305Q.
Identifiers: ClinVar variation 2572115 (VCV002572115.1), dbSNP rs2526572295, ClinGen allele CA343774765.